The following is an entry in ClinVar:

ClinVar aggregate classification (germline): Uncertain significance (1 of 4 stars; one submission).

gnomAD v4.1: 1 of 1,613,946 alleles (0.000062%); highest among the groups gnomAD compares: Non-Finnish European, 0.000085%; no homozygotes.

Submission:

GeneDx
Classification: Uncertain significance. Last evaluated: 2024-07-24. Review status: criteria provided, single submitter. Criteria: GeneDx Variant Classification Process June 2021. Collection method: clinical testing. Allele origin: germline. Affected: yes.
Comment: Not observed at significant frequency in large population cohorts (gnomAD); In silico analysis supports that this missense variant has a deleterious effect on protein structure/function; Has not been previously published as pathogenic or benign to our knowledge

NM_017649.5(CNNM2):c.2478G>T (p.Gln826His)

Gene: CNNM2 (cyclin and CBS domain divalent metal cation transport mediator 2; plus strand). Cytogenetic location: 10q24.32.
Variant type: single nucleotide variant.
Coding change: c.2478G>T on transcript NM_017649.5 (MANE Select); coding-DNA position 2478, G replaced by T.
Protein change: p.Gln826His; replaces glutamine 826 with histidine.
Molecular consequence: missense variant.
Genome position (GRCh38, 1-based): chr10:103,077,030, G>T. VCF-style: chr10-103077030-G-T. GRCh37 (hg19) VCF-style: chr10-104836787-G-T.
Other names: c.2412G>T, p.Gln804His (NM_199076.3); short protein forms Q804H, Q826H.
Identifiers: ClinVar variation 3600562 (VCV003600562.1).